The following is an entry in ClinVar:

NM_004370.6(COL12A1):c.2053A>C (p.Ser685Arg)

Gene: COL12A1 (collagen type XII alpha 1 chain; minus strand). Cytogenetic location: 6q13.
Variant type: single nucleotide variant.
Coding change: c.2053A>C on transcript NM_004370.6 (MANE Select); coding-DNA position 2053, A replaced by C.
Protein change: p.Ser685Arg; replaces serine 685 with arginine.
Molecular consequence: missense variant. On other transcripts: intron variant (2).
Genome position (GRCh38, 1-based): chr6:75,181,050, T>G on the plus strand (A>C on the coding strand, the complement: COL12A1 is on the minus strand). VCF-style: chr6-75181050-T-G. GRCh37 (hg19) VCF-style: chr6-75890766-T-G.
Other names: c.2053A>C, p.Ser685Arg (NM_001424113.1, NM_001424114.1, NM_001424115.1); c.73+21670A>C (NM_001424116.1, NM_080645.3); short protein forms S685R.
Identifiers: ClinVar variation 3758212 (VCV003758212.2).

ClinVar aggregate classification (germline): Uncertain significance (1 of 4 stars; one submission).

Conditions:
Ullrich congenital muscular dystrophy 2 (UCMD2). Identifiers: Orphanet 75840, MedGen C4225314, MONDO:0014654, OMIM 616470.
Bethlem myopathy 2 (BTHLM2). Identifiers: Orphanet 536516, Orphanet 610, MedGen C4225313, MONDO:0034022, OMIM 616471.

gnomAD v4.1: 1 of 1,614,056 alleles (0.000062%); highest among the groups gnomAD compares: Non-Finnish European, 0.000085%; no homozygotes.

Submission:

Labcorp Genetics (formerly Invitae), Labcorp
Classification: Uncertain significance for Bethlem myopathy 2; Ullrich congenital muscular dystrophy 2. Last evaluated: 2025-02-11. Review status: criteria provided, single submitter. Criteria: Invitae Variant Classification Sherloc (09022015). Collection method: clinical testing. Allele origin: germline.
Comment: This sequence change replaces serine, which is neutral and polar, with arginine, which is basic and polar, at codon 685 of the COL12A1 protein (p.Ser685Arg). This variant is not present in population databases (gnomAD no frequency). This variant has not been reported in the literature in individuals affected with COL12A1-related conditions. Invitae Evidence Modeling of protein sequence and biophysical properties (such as structural, functional, and spatial information, amino acid conservation, physicochemical variation, residue mobility, and thermodynamic stability) indicates that this missense variant is not expected to disrupt COL12A1 protein function with a negative predictive value of 80%. In summary, the available evidence is currently insufficient to determine the role of this variant in disease. Therefore, it has been classified as a Variant of Uncertain Significance.